The following is an entry in ClinVar:

NM_015272.5(RPGRIP1L):c.1700C>T (p.Ala567Val)

Gene: RPGRIP1L (RPGRIP1 like; minus strand). Cytogenetic location: 16q12.2.
Variant type: single nucleotide variant.
Coding change: c.1700C>T on transcript NM_015272.5 (MANE Select); coding-DNA position 1700, C replaced by T.
Protein change: p.Ala567Val; replaces alanine 567 with valine.
Molecular consequence: missense variant.
Genome position (GRCh38, 1-based): chr16:53,652,987, G>A on the plus strand (C>T on the coding strand, the complement: RPGRIP1L is on the minus strand). VCF-style: chr16-53652987-G-A. GRCh37 (hg19) VCF-style: chr16-53686899-G-A.
Other names: c.1700C>T (NM_015272.4); c.1700C>T, p.Ala567Val (NM_001127897.4, NM_001308334.3, NM_001330538.2); short protein forms A567V.
Identifiers: ClinVar variation 1313060 (VCV001313060.7), dbSNP rs553739434, ClinGen allele CA8057716.

ClinVar aggregate classification (germline): Conflicting classifications of pathogenicity. Review status: criteria provided, conflicting classifications (1 of 4 stars). 4 submissions from 4 submitters: Uncertain significance (3); Likely benign (1). Last evaluated 2026-01-08.

Conditions:
Meckel-Gruber syndrome. Also called: DYSENCEPHALIA SPLANCHNOCYSTICA; GRUBER SYNDROME; Dysencephalia splachnocystica. Identifiers: Orphanet 564, MedGen C0265215, MONDO:0018921.
Joubert syndrome. Also called: JOUBERT-BOLTSHAUSER SYNDROME; Familial aplasia of the vermis. Identifiers: Orphanet 475, MedGen C5979921, MONDO:0018772.
RPGRIP1L-related disorder. Also called: RPGRIP1L-related condition; RPGRIP1L-related disorders. Identifiers: MedGen CN239416.
Inborn genetic diseases. Identifiers: MedGen C0950123, MeSH D030342.

Allele frequency attached by ClinVar (database versions not stated): gnomAD 0.00001 and 0.00005; gnomAD exomes 0.00003 and 0.00008; ExAC 0.00009; 1000 Genomes Project 0.00020; 1000 Genomes Project 30x 0.00031.
gnomAD v4.1: 61 of 1,609,838 alleles (0.0038%); highest among the groups gnomAD compares: South Asian, 0.054%; no homozygotes.

Submissions (4):

PreventionGenetics, part of Exact Sciences
Classification: Uncertain significance for RPGRIP1L-related condition. Last evaluated: 2026-01-08. Review status: criteria provided, single submitter. Criteria: ACMG Guidelines, 2015. Collection method: clinical testing. Allele origin: germline.
Comment: The RPGRIP1L c.1700C>T variant is predicted to result in the amino acid substitution p.Ala567Val. To our knowledge, this variant has not been reported in the literature. This variant is reported in 0.059% of alleles in individuals of South Asian descent in gnomAD. At this time, the clinical significance of this variant is uncertain due to the absence of conclusive functional and genetic evidence.

Ambry Genetics
Classification: Likely benign for Inborn genetic diseases. Last evaluated: 2023-06-26. Review status: criteria provided, single submitter. Criteria: Ambry Variant Classification Scheme 2023. Collection method: clinical testing. Allele origin: germline.

Labcorp Genetics (formerly Invitae), Labcorp
Classification: Uncertain significance for Joubert syndrome; Meckel-Gruber syndrome. Last evaluated: 2022-08-10. Review status: criteria provided, single submitter. Criteria: Invitae Variant Classification Sherloc (09022015). Collection method: clinical testing. Allele origin: germline.
Comment: This sequence change replaces alanine, which is neutral and non-polar, with valine, which is neutral and non-polar, at codon 567 of the RPGRIP1L protein (p.Ala567Val). This variant is present in population databases (rs553739434, gnomAD 0.06%). This variant has not been reported in the literature in individuals affected with RPGRIP1L-related conditions. ClinVar contains an entry for this variant (Variation ID: 1313060). Algorithms developed to predict the effect of missense changes on protein structure and function are either unavailable or do not agree on the potential impact of this missense change (SIFT: "Tolerated"; PolyPhen-2: "Possibly Damaging"; Align-GVGD: "Class C0"). In summary, the available evidence is currently insufficient to determine the role of this variant in disease. Therefore, it has been classified as a Variant of Uncertain Significance.

GeneDx
Classification: Uncertain significance. Last evaluated: 2020-07-09. Review status: criteria provided, single submitter. Criteria: GeneDx Variant Classification Process June 2021. Collection method: clinical testing. Allele origin: germline. Affected: yes.
Comment: In silico analysis supports that this missense variant has a deleterious effect on protein structure/function; Has not been previously published as pathogenic or benign to our knowledge